The following is an entry in ClinVar:

NM_004438.5(EPHA4):c.2875A>G (p.Ile959Val)

Genes: EPHA4 (EPH receptor A4; minus strand), LOC126806527 (BRD4-independent group 4 enhancer GRCh37_chr2:222289669-222290868; plus strand). Cytogenetic location: 2q36.1.
Variant type: single nucleotide variant.
Coding change: c.2875A>G on transcript NM_004438.5 (MANE Select); coding-DNA position 2875, A replaced by G.
Protein change: p.Ile959Val; replaces isoleucine 959 with valine.
Molecular consequence: missense variant. On other transcripts: 3 prime UTR variant (1).
Genome position (GRCh38, 1-based): chr2:221,426,114, T>C on the plus strand (A>G on the coding strand, the complement: EPHA4 is on the minus strand). VCF-style: chr2-221426114-T-C. GRCh37 (hg19) VCF-style: chr2-222290834-T-C.
Other names: c.2875A>G, p.Ile959Val (NM_001304536.2); c.2722A>G, p.Ile908Val (NM_001304537.2); c.*54A>G (NM_001363748.2); short protein forms I959V, I908V.
Identifiers: ClinVar variation 2908824 (VCV002908824.3), dbSNP rs747243818, ClinGen allele CA2134641.

ClinVar aggregate classification (germline): Uncertain significance (1 of 4 stars; one submission).

Allele frequency attached by ClinVar (database versions not stated): TOPMed 0.00001; ExAC 0.00002; gnomAD exomes 0.00002.
gnomAD v4.1: 34 of 1,614,130 alleles (0.0021%); highest among the groups gnomAD compares: Non-Finnish European, 0.0025%; no homozygotes.

Submission:

Labcorp Genetics (formerly Invitae), Labcorp
Classification: Uncertain significance. Last evaluated: 2023-05-13. Review status: criteria provided, single submitter. Criteria: Invitae Variant Classification Sherloc (09022015). Collection method: clinical testing. Allele origin: germline.
Comment: In summary, the available evidence is currently insufficient to determine the role of this variant in disease. Therefore, it has been classified as a Variant of Uncertain Significance. Algorithms developed to predict the effect of missense changes on protein structure and function output the following: SIFT: "Not Available"; PolyPhen-2: "Benign"; Align-GVGD: "Not Available". The valine amino acid residue is found in multiple mammalian species, which suggests that this missense change does not adversely affect protein function. This variant has not been reported in the literature in individuals affected with EPHA4-related conditions. This variant is present in population databases (rs747243818, gnomAD 0.003%). This sequence change replaces isoleucine, which is neutral and non-polar, with valine, which is neutral and non-polar, at codon 959 of the EPHA4 protein (p.Ile959Val).